The following is an entry in ClinVar:

ClinVar aggregate classification (germline): Uncertain significance (1 of 4 stars; one submission).

Allele frequency attached by ClinVar (database versions not stated): TOPMed 0.00001; ExAC 0.00004; gnomAD below 0.00001 and 0.00001.
gnomAD v4.1: 20 of 1,558,844 alleles (0.0013%); highest among the groups gnomAD compares: South Asian, 0.0083%; no homozygotes.

Submission:

Labcorp Genetics (formerly Invitae), Labcorp
Classification: Uncertain significance. Last evaluated: 2022-06-22. Review status: criteria provided, single submitter. Criteria: Invitae Variant Classification Sherloc (09022015). Collection method: clinical testing. Allele origin: germline.
Comment: This sequence change replaces arginine, which is basic and polar, with tryptophan, which is neutral and slightly polar, at codon 582 of the CDH23 protein (p.Arg582Trp). The frequency data for this variant in the population databases is considered unreliable, as metrics indicate poor data quality at this position in the gnomAD database. This variant has not been reported in the literature in individuals affected with CDH23-related conditions. ClinVar contains an entry for this variant (Variation ID: 999944). Algorithms developed to predict the effect of missense changes on protein structure and function are either unavailable or do not agree on the potential impact of this missense change (SIFT: "Deleterious"; PolyPhen-2: "Not Available"; Align-GVGD: "Class C15"). In summary, the available evidence is currently insufficient to determine the role of this variant in disease. Therefore, it has been classified as a Variant of Uncertain Significance.

NM_022124.6(CDH23):c.1744C>T (p.Arg582Trp)

Gene: CDH23 (cadherin related 23; plus strand). Cytogenetic location: 10q22.1.
Variant type: single nucleotide variant.
Coding change: c.1744C>T on transcript NM_022124.6 (MANE Select); coding-DNA position 1744, C replaced by T.
Protein change: p.Arg582Trp; replaces arginine 582 with tryptophan.
Molecular consequence: missense variant.
Genome position (GRCh38, 1-based): chr10:71,677,685, C>T. VCF-style: chr10-71677685-C-T. GRCh37 (hg19) VCF-style: chr10-73437442-C-T.
Other names: c.1744C>T, p.Arg582Trp (NM_001171930.2, NM_001171931.2); short protein forms R582W.
Identifiers: ClinVar variation 999944 (VCV000999944.6), dbSNP rs780571524, ClinGen allele CA5543938.
Genomic context (GRCh38, chr10:71,677,685, plus strand): 5'-CAGAAGGATGCCTACGTGGGTGCTCTGCGGGAGAACGAGCCTTCTGTCACACAGCTGGTG[C>T]GGCTCCGGGTAAGGTGCCAGGGAGCCCTGCACTCCTGCCATTTATCTTAGCCTTCTCCCT-3'
Protein context (NP_071407.4, residues 572-592): ENEPSVTQLV[Arg582Trp]LRATDEDSPP